The following is an entry in ClinVar:

NM_001042492.3(NF1):c.7062+10C>G

Gene: NF1 (neurofibromin 1; plus strand). Cytogenetic location: 17q11.2.
Variant type: single nucleotide variant.
Coding change: c.7062+10C>G on transcript NM_001042492.3 (MANE Select); 10 bases into the intron after coding-DNA position 7062, C replaced by G.
Molecular consequence: intron variant.
Genome position (GRCh38, 1-based): chr17:31,340,655, C>G. VCF-style: chr17-31340655-C-G. GRCh37 (hg19) VCF-style: chr17-29667673-C-G.
Other names: c.6999+10C>G (NM_000267.4).
Identifiers: ClinVar variation 4876119 (VCV004876119.1).

ClinVar aggregate classification (germline): Likely benign (1 of 4 stars; one submission).

Conditions:
Neurofibromatosis, type 1 (NF1). Also called: VON RECKLINGHAUSEN DISEASE; NEUROFIBROMATOSIS, TYPE I, SOMATIC; Peripheral type neurofibromatosis; Neurofibromatosis, type I. Identifiers: Orphanet 636, MedGen C0027831, MONDO:0018975, OMIM 162200. Disease mechanism: loss of function.

Submission:

Myriad Genetics, Inc.
Classification: Likely benign for Neurofibromatosis, type 1. Last evaluated: 2026-05-13. Review status: criteria provided, single submitter. Criteria: Myriad Autosomal Dominant, Autosomal Recessive and X-Linked Classification Criteria (2023). Collection method: clinical testing. Allele origin: unknown.
Comment: This variant is considered likely benign. This variant is intronic and is not expected to impact mRNA splicing.